The following is an entry in ClinVar:

NM_003072.5(SMARCA4):c.1321C>A (p.Arg441Ser)

Gene: SMARCA4 (SWI/SNF related BAF chromatin remodeling complex subunit ATPase 4; plus strand). Cytogenetic location: 19p13.2.
Variant type: single nucleotide variant.
Coding change: c.1321C>A on transcript NM_003072.5 (MANE Select); coding-DNA position 1321, C replaced by A.
Protein change: p.Arg441Ser; replaces arginine 441 with serine.
Molecular consequence: missense variant. On other transcripts: non-coding transcript variant (1).
Genome position (GRCh38, 1-based): chr19:10,991,225, C>A. VCF-style: chr19-10991225-C-A. GRCh37 (hg19) VCF-style: chr19-11101901-C-A.
Other names: c.1321C>A, p.Arg441Ser (NM_001128844.3, NM_001128845.2, NM_001128846.2 and 5 more transcripts); short protein forms R441S.
Identifiers: ClinVar variation 662592 (VCV000662592.8), dbSNP rs1600023226, ClinGen allele CA404060758.

ClinVar aggregate classification (germline): Uncertain significance (1 of 4 stars; one submission).

Conditions:
Rhabdoid tumor predisposition syndrome 2 (RTPS2). Identifiers: Orphanet 231108, Orphanet 69077, MedGen C2750074, MONDO:0013224, OMIM 613325.

Submission:

Labcorp Genetics (formerly Invitae), Labcorp
Classification: Uncertain significance for Rhabdoid tumor predisposition syndrome 2. Last evaluated: 2024-01-17. Review status: criteria provided, single submitter. Criteria: Invitae Variant Classification Sherloc (09022015). Collection method: clinical testing. Allele origin: germline.
Comment: This sequence change replaces arginine, which is basic and polar, with serine, which is neutral and polar, at codon 441 of the SMARCA4 protein (p.Arg441Ser). This variant is not present in population databases (gnomAD no frequency). This variant has not been reported in the literature in individuals affected with SMARCA4-related conditions. ClinVar contains an entry for this variant (Variation ID: 662592). Advanced modeling of protein sequence and biophysical properties (such as structural, functional, and spatial information, amino acid conservation, physicochemical variation, residue mobility, and thermodynamic stability) has been performed at Invitae for this missense variant, however the output from this modeling did not meet the statistical confidence thresholds required to predict the impact of this variant on SMARCA4 protein function. In summary, the available evidence is currently insufficient to determine the role of this variant in disease. Therefore, it has been classified as a Variant of Uncertain Significance.